The following is an entry in ClinVar:

ClinVar aggregate classification (germline): Uncertain significance (1 of 4 stars; one submission).

Conditions:
Familial thoracic aortic aneurysm and aortic dissection (TAAD). Also called: Thoracic aortic aneurysms and dissections. Identifiers: Orphanet 91387, MedGen C4707243, MONDO:0019625.

Submission:

Color Diagnostics, LLC DBA Color Health
Classification: Uncertain significance for Familial thoracic aortic aneurysm and aortic dissection. Last evaluated: 2020-12-09. Review status: criteria provided, single submitter. Criteria: ACMG Guidelines, 2015. Collection method: clinical testing. Allele origin: germline.
Comment: This missense variant replaces proline with leucine at codon 1675 of the FBN1 protein. Computational prediction suggests that this variant may have deleterious impact on protein structure and function (internally defined REVEL score threshold >= 0.7, PMID: 27666373). To our knowledge, functional studies have not been reported for this variant. This variant has not been reported in individuals affected with cardiovascular disorders in the literature. This variant has not been identified in the general population by the Genome Aggregation Database (gnomAD). The available evidence is insufficient to determine the role of this variant in disease conclusively. Therefore, this variant is classified as a Variant of Uncertain Significance.

NM_000138.5(FBN1):c.5024C>T (p.Pro1675Leu)

Gene: FBN1 (fibrillin 1; minus strand). Cytogenetic location: 15q21.1.
Variant type: single nucleotide variant.
Coding change: c.5024C>T on transcript NM_000138.5 (MANE Select); coding-DNA position 5024, C replaced by T.
Protein change: p.Pro1675Leu; replaces proline 1675 with leucine.
Molecular consequence: missense variant.
Genome position (GRCh38, 1-based): chr15:48,463,940, G>A on the plus strand (C>T on the coding strand, the complement: FBN1 is on the minus strand). VCF-style: chr15-48463940-G-A. GRCh37 (hg19) VCF-style: chr15-48756137-G-A.
Other names: short protein forms P1675L.
Identifiers: ClinVar variation 1172460 (VCV001172460.2), dbSNP rs1245578187, ClinGen allele CA392349857.
Genomic context (GRCh38, chr15:48,463,940, plus strand): 5'-GAGAAAAGCTTGGACTTACCCATGCAATTATTTCCCCCATTCACTTGCATGTAGTCTGGA[G>A]GACAGATACAGGTGTAGTTGCCAACGGTGTTGTAACATGTCCCTGGACCACAGATTCCAG-3'
Protein context (NP_000129.3, residues 1665-1685): NTVGNYTCIC[Pro1675Leu]PDYMQVNGGN